The following is an entry in ClinVar:

NM_000493.4(COL10A1):c.1841T>C (p.Leu614Pro)

Genes: COL10A1 (collagen type X alpha 1 chain; minus strand), NT5DC1 (5'-nucleotidase domain containing 1; plus strand). Cytogenetic location: 6q22.1.
Variant type: single nucleotide variant.
Coding change: c.1841T>C on transcript NM_000493.4 (MANE Select); coding-DNA position 1841, T replaced by C.
Protein change: p.Leu614Pro; replaces leucine 614 with proline.
Molecular consequence: missense variant. On other transcripts: intron variant (1).
Genome position (GRCh38, 1-based): chr6:116,120,275, A>G on the plus strand (T>C on the coding strand, the complement: COL10A1 is on the minus strand). VCF-style: chr6-116120275-A-G. GRCh37 (hg19) VCF-style: chr6-116441438-A-G.
Other names: c.1841T>C, p.Leu614Pro (NM_001424106.1, NM_001424107.1); c.529+2330A>G (NM_152729.3); short protein forms L614P.
Identifiers: ClinVar variation 17466 (VCV000017466.3), dbSNP rs111033545, ClinGen allele CA127211.

ClinVar aggregate classification (germline): Uncertain significance. Review status: criteria provided, single submitter (1 of 4 stars). 2 submissions from 2 submitters: Uncertain significance (1). 1 of the submissions does not count toward it. Last evaluated 2026-01-14.

Conditions:
Metaphyseal chondrodysplasia, Schmid type (MCDS). Also called: SPONDYLOMETAPHYSEAL DYSPLASIA, JAPANESE TYPE. Identifiers: Orphanet 174, MedGen C0265289, MONDO:0007983, OMIM 156500.

Submissions (2):

Labcorp Genetics (formerly Invitae), Labcorp
Classification: Uncertain significance. Last evaluated: 2026-01-14. Review status: criteria provided, single submitter. Criteria: Invitae Variant Classification Sherloc (09022015). Collection method: clinical testing. Allele origin: germline.
Comment: This sequence change replaces leucine, which is neutral and non-polar, with proline, which is neutral and non-polar, at codon 614 of the COL10A1 protein (p.Leu614Pro). This variant is not present in population databases (gnomAD no frequency). This missense change has been observed in individual(s) with COL10A1-related conditions (PMID: 8304336). ClinVar contains an entry for this variant (Variation ID: 17466). Invitae Evidence Modeling of protein sequence and biophysical properties (such as structural, functional, and spatial information, amino acid conservation, physicochemical variation, residue mobility, and thermodynamic stability) has been performed for this missense variant. However, the output from this modeling did not meet the statistical confidence thresholds required to predict the impact of this variant on COL10A1 protein function. In summary, the available evidence is currently insufficient to determine the role of this variant in disease. Therefore, it has been classified as a Variant of Uncertain Significance.

OMIM
Classification: Pathogenic for METAPHYSEAL CHONDRODYSPLASIA, SCHMID TYPE. Last evaluated: 1994-02-01. Review status: no assertion criteria provided. Collection method: literature only. Allele origin: germline. Not counted in ClinVar's aggregate classification.

Literature cited by the submitters: PubMed 8304336 (cited by Labcorp Genetics (formerly Invitae), Labcorp and OMIM).